The following is an entry in ClinVar:

NM_000059.4(BRCA2):c.9398C>T (p.Ser3133Leu)

Gene: BRCA2 (BRCA2 DNA repair associated; plus strand). Cytogenetic location: 13q13.1.
Variant type: single nucleotide variant.
Coding change: c.9398C>T on transcript NM_000059.4 (MANE Select); coding-DNA position 9398, C replaced by T.
Protein change: p.Ser3133Leu; replaces serine 3133 with leucine.
Molecular consequence: missense variant.
Genome position (GRCh38, 1-based): chr13:32,394,830, C>T. VCF-style: chr13-32394830-C-T. GRCh37 (hg19) VCF-style: chr13-32968967-C-T.
Other names: short protein forms S3133L.
Identifiers: ClinVar variation 231909 (VCV000231909.20), dbSNP rs876659439, ClinGen allele CA10579830.

ClinVar aggregate classification (germline): Conflicting classifications of pathogenicity. Review status: criteria provided, conflicting classifications (1 of 4 stars). 7 submissions from 7 submitters: Uncertain significance (6); Likely benign (1). Last evaluated 2025-12-01.

Conditions:
BRCA2-related cancer predisposition. Identifiers: MedGen CN377758, MONDO:0700269.
Breast-ovarian cancer, familial, susceptibility to, 2 (BROVCA2). Also called: BRCA2 Hereditary Breast and Ovarian Cancer. Identifiers: Orphanet 145, MedGen C2675520, MONDO:0012933, OMIM 612555. Disease mechanism: loss of function.
Familial cancer of breast. Also called: Hereditary breast cancer; hereditary breast carcinoma; BREAST CANCER, FAMILIAL. Identifiers: Orphanet 227535, MedGen C0346153, MONDO:0016419, OMIM 114480. Disease mechanism: loss of function.
Hereditary cancer-predisposing syndrome. Also called: Hereditary Cancer Syndrome; Neoplastic Syndromes, Hereditary; Tumor predisposition; Hereditary neoplastic syndrome. Identifiers: Orphanet 140162, MedGen C0027672, MeSH D009386, MONDO:0015356.
Hereditary breast ovarian cancer syndrome. Also called: Hereditary breast and/or ovarian cancer syndrome; BRCA1- and BRCA2-Associated Hereditary Breast and Ovarian Cancer; Hereditary breast and ovarian cancer syndrome (HBOC); Hereditary breast and ovarian cancer; Hereditary breast and ovarian cancer syndrome; Breast and ovarian cancer. Identifiers: Orphanet 145, MedGen C0677776, MeSH D061325, MONDO:0003582. Disease mechanism: loss of function.

Allele frequency attached by ClinVar (database versions not stated): gnomAD exomes below 0.00001.
gnomAD v4.1: 1 of 1,614,104 alleles (0.000062%); highest among the groups gnomAD compares: Non-Finnish European, 0.000085%; no homozygotes.

Submissions (7):

KCCC/NGS Laboratory, Kuwait Cancer Control Center
Classification: Uncertain significance for Breast-ovarian cancer, familial, susceptibility to, 2. Last evaluated: 2025-12-01. Review status: criteria provided, single submitter. Criteria: ACMG Guidelines, 2015. Collection method: clinical testing. Allele origin: germline. Inheritance: Autosomal dominant inheritance. Affected: yes.
Comment: the available evidence is currently insufficient to determine the role of this variant in disease. Therefore, it has been classified as a Variant of Uncertain Significance. The diagnosis of hereditary cancer syndrome is not confirmed.

Ambry Genetics
Classification: Likely benign for Hereditary cancer-predisposing syndrome. Last evaluated: 2025-05-16. Review status: criteria provided, single submitter. Criteria: Ambry Variant Classification Scheme 2023. Collection method: clinical testing. Allele origin: germline.

All of Us Research Program, National Institutes of Health
Classification: Uncertain significance for BRCA2-related cancer predisposition. Last evaluated: 2024-06-09. Review status: criteria provided, single submitter. Criteria: ACMG Guidelines, 2015. Collection method: clinical testing. Allele origin: germline. Inheritance: Autosomal dominant inheritance. Observed: 1 variant allele, 1 heterozygote.
Comment: This missense variant replaces serine with leucine at codon 3133 of the BRCA2 protein. Computational prediction is inconclusive regarding the impact of this variant on protein structure and function. To our knowledge, functional studies have not been reported for this variant. This variant has not been reported in individuals affected with BRCA2-related disorders in the literature. This variant has not been identified in the general population by the Genome Aggregation Database (gnomAD). The available evidence is insufficient to determine the role of this variant in disease conclusively. Therefore, this variant is classified as a Variant of Uncertain Significance.

This study involves interpretation of variants in research participants for the purpose of population health screening. Participant phenotype was not available at the time of variant classification. Additional details can be found in publication PMID: 35346344, PMCID: PMC8962531

Color Diagnostics, LLC DBA Color Health
Classification: Uncertain significance for Hereditary cancer-predisposing syndrome. Last evaluated: 2024-05-23. Review status: criteria provided, single submitter. Criteria: ACMG Guidelines, 2015. Collection method: clinical testing. Allele origin: germline.
Comment: This missense variant replaces serine with leucine at codon 3133 of the BRCA2 protein. Computational prediction is inconclusive regarding the impact of this variant on protein structure and function. To our knowledge, functional studies have not been reported for this variant. This variant has not been reported in individuals affected with BRCA2-related disorders in the literature. This variant has not been identified in the general population by the Genome Aggregation Database (gnomAD). The available evidence is insufficient to determine the role of this variant in disease conclusively. Therefore, this variant is classified as a Variant of Uncertain Significance.

Labcorp Genetics (formerly Invitae), Labcorp
Classification: Uncertain significance for Hereditary breast ovarian cancer syndrome. Last evaluated: 2024-04-03. Review status: criteria provided, single submitter. Criteria: Invitae Variant Classification Sherloc (09022015). Collection method: clinical testing. Allele origin: germline.
Comment: This sequence change replaces serine, which is neutral and polar, with leucine, which is neutral and non-polar, at codon 3133 of the BRCA2 protein (p.Ser3133Leu). This variant is not present in population databases (gnomAD no frequency). This variant has not been reported in the literature in individuals affected with BRCA2-related conditions. ClinVar contains an entry for this variant (Variation ID: 231909). Advanced modeling of protein sequence and biophysical properties (such as structural, functional, and spatial information, amino acid conservation, physicochemical variation, residue mobility, and thermodynamic stability) performed at Invitae indicates that this missense variant is not expected to disrupt BRCA2 protein function with a negative predictive value of 95%. In summary, the available evidence is currently insufficient to determine the role of this variant in disease. Therefore, it has been classified as a Variant of Uncertain Significance.

Department of Pathology and Laboratory Medicine, Sinai Health System
Classification: Uncertain significance for Familial cancer of breast; Breast-ovarian cancer, familial, susceptibility to, 2. Last evaluated: 2024-01-16. Review status: criteria provided, single submitter. Criteria: ACMG Guidelines, 2015. Collection method: clinical testing. Allele origin: germline. Affected: yes.

GeneDx
Classification: Uncertain significance. Last evaluated: 2015-05-27. Review status: criteria provided, single submitter. Criteria: GeneDx Variant Classification (06012015). Collection method: clinical testing. Allele origin: germline. Affected: yes.
Comment: This variant is denoted BRCA2 c.9398C>T at the cDNA level, p.Ser3133Leu (S3133L) at the protein level, and results in the change of a Serine to a Leucine (TCA>TTA). Using alternate nomenclature, this variant would be defined as BRCA2 9626C>T. This variant has not, to our knowledge, been published in the literature as pathogenic or benign. BRCA2 Ser3133Leu was not observed in approximately 6,500 individuals of European and African American ancestry in the NHLBI Exome Sequencing Project, indicating it is not a common benign variant in these populations. Since Serine and Leucine differ in polarity, charge, size or other properties, this is considered a non-conservative amino acid substitution. BRCA2 Ser3133Leu occurs at a position that is not conserved, with Leucine being the naturally occurring amino acid at this position in two species, and is not located in a known functional domain (UniProt). In silico analyses predict that this variant is unlikely to alter protein structure or function. Based on currently available information, it is unclear whether BRCA2 Ser3133Leu is pathogenic or benign. We consider it to be a variant of uncertain significance.

Literature cited by the submitters: PubMed 33471991 (cited by Department of Pathology and Laboratory Medicine, Sinai Health System).